The following is an entry in ClinVar:

NC_000007.13:g.(117243837_117246727)_(117246808_117250572)del

Gene: CFTR (CF transmembrane conductance regulator; plus strand). Cytogenetic location: 7q31.2.
Variant type: Deletion.
Identifiers: ClinVar variation 3895724 (VCV003895724.1).

ClinVar aggregate classification (germline): Pathogenic (1 of 4 stars; one submission).

Conditions:
Cystic fibrosis (CF). Also called: MUCOVISCIDOSIS. Identifiers: Orphanet 586, MedGen C0010674, MONDO:0009061, OMIM 219700. Disease mechanism: loss of function.

Submission:

Women's Health and Genetics/Laboratory Corporation of America, LabCorp
Classification: Pathogenic for Cystic fibrosis. Last evaluated: 2025-03-11. Review status: criteria provided, single submitter. Criteria: LabCorp Variant Classification Summary - May 2015. Collection method: clinical testing. Allele origin: germline.
Comment: Variant summary: The variant involves the deletion of exon 18 in the CFTR gene. A presumed nomenclature of c.(2908+1_2909-1)_(2988+1_2989-1)del has been designated for the purposes of this classification. This Copy Number Variant (CNV) is expected to alter the reading frame and predicted to result in a truncation or absence of the encoded protein due to nonsense mediated decay (NMD). The variant was absent in 21694 control chromosomes. c.(2908+1_2909-1)_(2988+1_2989-1)del has been reported in the literature in at least one homozygous individual affected with Cystic Fibrosis (e.g. Duz_2021). These data indicate that the variant may be associated with disease. To our knowledge, no experimental evidence demonstrating an impact on protein function has been reported. The following publication has been ascertained in the context of this evaluation (PMID: 33093640). ClinVar contains an entry for this variant (Variation ID: 831218). Based on the evidence outlined above, the variant was classified as pathogenic.

Literature cited by the submitters: PubMed 33093640.